The following is an entry in ClinVar:

ClinVar aggregate classification (germline): Uncertain significance (1 of 4 stars; one submission).

Allele frequency attached by ClinVar (database versions not stated): TOPMed below 0.00001; ExAC 0.00001; gnomAD 0.00001; gnomAD exomes 0.00003 and 0.00005.
gnomAD v4.1: 67 of 1,607,422 alleles (0.0042%); highest among the groups gnomAD compares: Non-Finnish European, 0.0055%; no homozygotes.

Submission:

Labcorp Genetics (formerly Invitae), Labcorp
Classification: Uncertain significance. Last evaluated: 2026-01-06. Review status: criteria provided, single submitter. Criteria: Invitae Variant Classification Sherloc (09022015). Collection method: clinical testing. Allele origin: germline.
Comment: This sequence change replaces arginine, which is basic and polar, with tryptophan, which is neutral and slightly polar, at codon 563 of the IL12RB2 protein (p.Arg563Trp). This variant is present in population databases (rs780229423, gnomAD 0.005%). This variant has not been reported in the literature in individuals affected with IL12RB2-related conditions. ClinVar contains an entry for this variant (Variation ID: 1428625). An algorithm developed to predict the effect of missense changes on protein structure and function (PolyPhen-2) suggests that this variant is likely to be tolerated. In summary, the available evidence is currently insufficient to determine the role of this variant in disease. Therefore, it has been classified as a Variant of Uncertain Significance.

NM_001374259.2(IL12RB2):c.1687C>T (p.Arg563Trp)

Gene: IL12RB2 (interleukin 12 receptor subunit beta 2; plus strand). Cytogenetic location: 1p31.3.
Variant type: single nucleotide variant.
Coding change: c.1687C>T on transcript NM_001374259.2 (MANE Select); coding-DNA position 1687, C replaced by T.
Protein change: p.Arg563Trp; replaces arginine 563 with tryptophan.
Molecular consequence: missense variant. On other transcripts: non-coding transcript variant (1), intron variant (1).
Genome position (GRCh38, 1-based): chr1:67,372,753, C>T. VCF-style: chr1-67372753-C-T. GRCh37 (hg19) VCF-style: chr1-67838436-C-T.
Other names: c.1687C>T, p.Arg563Trp (NM_001258214.1, NM_001258216.1, NM_001319233.1 and 1 more transcripts); c.1459+4728C>T (NM_001258215.1); short protein forms R563W.
Identifiers: ClinVar variation 1428625 (VCV001428625.8), dbSNP rs780229423, ClinGen allele CA900544.